The following is an entry in ClinVar:

ClinVar aggregate classification (germline): Uncertain significance. Review status: criteria provided, multiple submitters, no conflicts (2 of 4 stars). 5 submissions from 5 submitters: Uncertain significance (5). Last evaluated 2026-01-26.

Conditions:
Upshaw-Schulman syndrome (TTP). Also called: THROMBOTIC THROMBOCYTOPENIC PURPURA, HEREDITARY; Congenital thrombotic thrombocytopenic purpura. Identifiers: Orphanet 93583, MedGen C1268935, MONDO:0010122, OMIM 274150.
Inborn genetic diseases. Identifiers: MedGen C0950123, MeSH D030342.

Allele frequency attached by ClinVar (database versions not stated): gnomAD exomes 0.00001 and 0.00002; gnomAD 0.00003 and 0.00005; ExAC 0.00004; TOPMed 0.00009; 1000 Genomes Project 30x 0.00016; 1000 Genomes Project 0.00020.
gnomAD v4.1: 30 of 1,612,484 alleles (0.0019%); highest among the groups gnomAD compares: African/African-American, 0.015%; no homozygotes.

Submissions (5):

Women's Health and Genetics/Laboratory Corporation of America, LabCorp
Classification: Uncertain significance. Last evaluated: 2026-01-26. Review status: criteria provided, single submitter. Criteria: LabCorp Variant Classification Summary - May 2015. Collection method: clinical testing. Allele origin: germline.
Comment: Variant summary: ADAMTS13 c.3424G>A (p.Glu1142Lys) results in a conservative amino acid change in the encoded protein sequence. Algorithms developed to predict the effect of missense changes on protein structure and function all suggest that this variant is likely to be tolerated. The variant allele was found at a frequency of 2e-05 in 244804 control chromosomes. The available data on variant occurrences in the general population are insufficient to allow any conclusion about variant significance. To our knowledge, no occurrence of c.3424G>A in individuals affected with ADAMTS13-related conditions and no experimental evidence demonstrating its impact on protein function have been reported. ClinVar contains an entry for this variant (Variation ID: 1163041). Based on the evidence outlined above, the variant was classified as uncertain significance.

Labcorp Genetics (formerly Invitae), Labcorp
Classification: Uncertain significance. Last evaluated: 2024-08-20. Review status: criteria provided, single submitter. Criteria: Invitae Variant Classification Sherloc (09022015). Collection method: clinical testing. Allele origin: germline.
Comment: This sequence change replaces glutamic acid, which is acidic and polar, with lysine, which is basic and polar, at codon 1142 of the ADAMTS13 protein (p.Glu1142Lys). This variant is present in population databases (rs587709422, gnomAD 0.03%). This variant has not been reported in the literature in individuals affected with ADAMTS13-related conditions. ClinVar contains an entry for this variant (Variation ID: 1163041). An algorithm developed to predict the effect of missense changes on protein structure and function outputs the following: PolyPhen-2: "Benign". The lysine amino acid residue is found in multiple mammalian species, which suggests that this missense change does not adversely affect protein function. In summary, the available evidence is currently insufficient to determine the role of this variant in disease. Therefore, it has been classified as a Variant of Uncertain Significance.

Fulgent Genetics
Classification: Uncertain significance for Upshaw-Schulman syndrome. Last evaluated: 2024-04-12. Review status: criteria provided, single submitter. Criteria: ACMG Guidelines, 2015. Collection method: clinical testing. Allele origin: germline.

Ambry Genetics
Classification: Uncertain significance for Inborn genetic diseases. Last evaluated: 2024-02-28. Review status: criteria provided, single submitter. Criteria: Ambry Variant Classification Scheme 2023. Collection method: clinical testing. Allele origin: germline.

Mayo Clinic Laboratories, Mayo Clinic
Classification: Uncertain significance. Last evaluated: 2020-11-11. Review status: criteria provided, single submitter. Criteria: ACMG Guidelines, 2015. Collection method: clinical testing. Allele origin: germline. Observed: 1 variant allele.

NM_139027.6(ADAMTS13):c.3400+24G>A

Gene: ADAMTS13 (ADAM metallopeptidase with thrombospondin type 1 motif 13; plus strand). Cytogenetic location: 9q34.2.
Variant type: single nucleotide variant.
Coding change: c.3400+24G>A on transcript NM_139027.6 (MANE Select); 24 bases into the intron after coding-DNA position 3400, G replaced by A.
Molecular consequence: intron variant. On other transcripts: missense variant (1).
Genome position (GRCh38, 1-based): chr9:133,455,459, G>A. VCF-style: chr9-133455459-G-A. GRCh37 (hg19) VCF-style: chr9-136320581-G-A.
Other names: c.3424G>A (NM_139025.3); c.3424G>A, p.Glu1142Lys (NM_139025.5); c.3307+24G>A (NM_139026.6); short protein forms E1142K.
Identifiers: ClinVar variation 1163041 (VCV001163041.9), dbSNP rs587709422, ClinGen allele CA200944153.